The following is an entry in ClinVar:

NM_001081.4(CUBN):c.2305C>T (p.Arg769Ter)

Gene: CUBN (cubilin; minus strand). Cytogenetic location: 10p13.
Variant type: single nucleotide variant.
Coding change: c.2305C>T on transcript NM_001081.4 (MANE Select); coding-DNA position 2305, C replaced by T.
Protein change: p.Arg769Ter; replaces arginine 769 with a stop codon.
Molecular consequence: nonsense.
Genome position (GRCh38, 1-based): chr10:17,071,968, G>A on the plus strand (C>T on the coding strand, the complement: CUBN is on the minus strand). VCF-style: chr10-17071968-G-A. GRCh37 (hg19) VCF-style: chr10-17113967-G-A.
Other names: short protein forms R769*.
Identifiers: ClinVar variation 937337 (VCV000937337.9), dbSNP rs776704427, ClinGen allele CA5425011.

ClinVar aggregate classification (germline): Pathogenic. Review status: criteria provided, multiple submitters, no conflicts (2 of 4 stars). 2 submissions from 2 submitters: Pathogenic (2). Last evaluated 2026-02-20.

Conditions:
Imerslund-Grasbeck syndrome type 1 (IGS1). Also called: Megaloblastic anemia 1, Finnish type; Imerslund-Gräsbeck syndrome 1; MEGALOBLASTIC ANEMIA, 1. Identifiers: MedGen C4016819, MONDO:0100156, OMIM 261100.
Imerslund-Grasbeck syndrome. Also called: Megaloblastic anemia due to inborn errors of metabolism; ENTEROCYTE COBALAMIN MALABSORPTION; ENTEROCYTE INTRINSIC FACTOR RECEPTOR, DEFECT OF; PERNICIOUS ANEMIA, JUVENILE, DUE TO SELECTIVE INTESTINAL MALABSORPTION OF VITAMIN B12, WITH PROTEINURIA; Imerslund-Gräsbeck syndrome. Identifiers: Orphanet 35858, MedGen C4551825, MONDO:0009853.

Allele frequency attached by ClinVar (database versions not stated): ExAC 0.00001.
gnomAD v4.1: 15 of 1,609,824 alleles (0.00093%); highest among the groups gnomAD compares: Admixed American, 0.0017%; no homozygotes.

Submissions (2):

Victorian Clinical Genetics Services, Murdoch Childrens Research Institute
Classification: Pathogenic for Imerslund-Grasbeck syndrome type 1. Last evaluated: 2026-02-20. Review status: criteria provided, single submitter. Criteria: ACMG Guidelines, 2015. Collection method: clinical testing. Allele origin: germline. Affected: yes.
Comment: This variant is classified as Pathogenic. Evidence in support of pathogenic classification: Variant is predicted to cause nonsense-mediated decay (NMD) and loss of protein (premature termination codon is located at least 54 nucleotides upstream of the final exon-exon junction); Variant is present in gnomAD <0.01 for a recessive condition (v4: 15 heterozygote(s), 0 homozygote(s)); This variant has limited previous evidence of pathogenicity in an unrelated individual. This variant has been classified as pathogenic by a clinical laboratory in ClinVar; Other NMD variants comparable to the one identified in this case have very strong previous evidence for pathogenicity (ClinVar). Additional information: This variant is heterozygous; This gene is associated with autosomal recessive disease; No published evidence of segregation with disease has been identified for this variant; No published functional evidence has been identified for this variant; Loss of function is a known mechanism of disease in this gene and is associated with proteinuria, chronic benign (MIM#618884), and Imerslund-Grasbeck syndrome 1 (MIM#261100). Variants downstream of the vitamin B12/IF-binding domain are associated with isolated proteinuria (PMID: 31613795); Inheritance information for this variant is not currently available in this individual.

Labcorp Genetics (formerly Invitae), Labcorp
Classification: Pathogenic for Imerslund-Grasbeck syndrome. Last evaluated: 2022-05-05. Review status: criteria provided, single submitter. Criteria: Invitae Variant Classification Sherloc (09022015). Collection method: clinical testing. Allele origin: germline.
Comment: This sequence change creates a premature translational stop signal (p.Arg769*) in the CUBN gene. It is expected to result in an absent or disrupted protein product. Loss-of-function variants in CUBN are known to be pathogenic (PMID: 15024727, 22929189). For these reasons, this variant has been classified as Pathogenic. ClinVar contains an entry for this variant (Variation ID: 937337). This variant has not been reported in the literature in individuals affected with CUBN-related conditions. This variant is present in population databases (rs776704427, gnomAD 0.003%).

Literature cited by the submitters: PubMed 31613795 (cited by Victorian Clinical Genetics Services, Murdoch Childrens Research Institute); PubMed 15024727 (cited by Labcorp Genetics (formerly Invitae), Labcorp); PubMed 22929189 (cited by Labcorp Genetics (formerly Invitae), Labcorp).